The following is an entry in ClinVar:

NM_002206.3(ITGA7):c.2467G>A (p.Val823Met)

Genes: ITGA7 (integrin subunit alpha 7; minus strand), LOC126861535 (CDK7 strongly-dependent group 2 enhancer GRCh37_chr12:56087579-56088778; plus strand). Cytogenetic location: 12q13.2.
Variant type: single nucleotide variant.
Coding change: c.2467G>A on transcript NM_002206.3 (MANE Select); coding-DNA position 2467, G replaced by A.
Protein change: p.Val823Met; replaces valine 823 with methionine.
Molecular consequence: missense variant.
Genome position (GRCh38, 1-based): chr12:55,694,089, C>T on the plus strand (G>A on the coding strand, the complement: ITGA7 is on the minus strand). VCF-style: chr12-55694089-C-T. GRCh37 (hg19) VCF-style: chr12-56087873-C-T.
Other names: c.2479G>A, p.Val827Met (NM_001144996.2); c.2188G>A, p.Val730Met (NM_001144997.2); c.2140G>A, p.Val714Met (NM_001367993.1); c.1123G>A, p.Val375Met (NM_001367994.1); c.2449G>A, p.Val817Met (NM_001374465.1); c.2599G>A, p.Val867Met (NM_001410977.1); c.2461G>A, p.Val821Met (NM_001414029.1); c.2392G>A, p.Val798Met (NM_001414030.1); and 5 more; short protein forms V730M, V823M, V714M, V827M, V375M, V817M, V867M, V798M.
Identifiers: ClinVar variation 569702 (VCV000569702.6), dbSNP rs146163713, ClinGen allele CA6615585.

ClinVar aggregate classification (germline): Uncertain significance. Review status: criteria provided, multiple submitters, no conflicts (2 of 4 stars). 2 submissions from 2 submitters: Uncertain significance (2). Last evaluated 2021-09-01.

Conditions:
Congenital muscular dystrophy due to integrin alpha-7 deficiency. Also called: Congenital muscular dystrophy with integrin alpha-7 deficiency; MYOPATHY, CONGENITAL, DUE TO INTEGRIN ALPHA-7 DEFICIENCY; Muscular dystrophy, congenital, due to ITGA7 deficiency. Identifiers: Orphanet 34520, MedGen C2750786, MONDO:0013177, OMIM 613204.

Allele frequency attached by ClinVar (database versions not stated): TOPMed 0.00003; gnomAD 0.00004; gnomAD exomes 0.00006 and 0.00013; ESP Exome Variant Server 0.00008; ExAC 0.00023.

Submissions (2):

Labcorp Genetics (formerly Invitae), Labcorp
Classification: Uncertain significance for Congenital muscular dystrophy due to integrin alpha-7 deficiency. Last evaluated: 2021-09-01. Review status: criteria provided, single submitter. Criteria: Invitae Variant Classification Sherloc (09022015). Collection method: clinical testing. Allele origin: germline.
Comment: This sequence change replaces valine with methionine at codon 823 of the ITGA7 protein (p.Val823Met). The valine residue is weakly conserved and there is a small physicochemical difference between valine and methionine. This variant is present in population databases (rs146163713, ExAC 0.04%). This variant has not been reported in the literature in individuals affected with ITGA7-related conditions. Algorithms developed to predict the effect of missense changes on protein structure and function are either unavailable or do not agree on the potential impact of this missense change (SIFT: "Tolerated"; PolyPhen-2: "Possibly Damaging"; Align-GVGD: "Class C0"). In summary, the available evidence is currently insufficient to determine the role of this variant in disease. Therefore, it has been classified as a Variant of Uncertain Significance.

Revvity Omics, Revvity
Classification: Uncertain significance for Congenital muscular dystrophy due to integrin alpha-7 deficiency. Last evaluated: 2019-04-25. Review status: criteria provided, single submitter. Criteria: ACMG Guidelines, 2015. Collection method: clinical testing. Allele origin: germline.